The following is an entry in ClinVar:

NM_001385875.1(ZFYVE27):c.49G>A (p.Val17Met)

Gene: ZFYVE27 (zinc finger FYVE-type containing 27; plus strand). Cytogenetic location: 10q24.2.
Variant type: single nucleotide variant.
Coding change: c.49G>A on transcript NM_001385875.1 (MANE Select); coding-DNA position 49, G replaced by A.
Protein change: p.Val17Met; replaces valine 17 with methionine.
Molecular consequence: missense variant. On other transcripts: 5 prime UTR variant (13), non-coding transcript variant (17), intron variant (5).
Genome position (GRCh38, 1-based): chr10:97,738,526, G>A. VCF-style: chr10-97738526-G-A. GRCh37 (hg19) VCF-style: chr10-99498283-G-A.
Other names: c.49G>A, p.Val17Met (NM_001385908.1, NM_001385911.1, NM_001385918.1 and 24 more transcripts); c.49G>A (NM_001002261.3); c.-146G>A (NM_001385915.1); c.-118G>A (NM_001385916.1, NM_001385917.1, NM_001385919.1 and 5 more transcripts); c.-131G>A (NM_001385890.1, NM_001385893.1, NM_001385895.1 and 2 more transcripts); c.-8+1205G>A (NM_001385891.1, NM_001385894.1, NM_001385892.1 and 1 more transcripts); c.-27+1205G>A (NM_001174121.2); short protein forms V17M.
Identifiers: ClinVar variation 2796249 (VCV002796249.4), dbSNP rs148694071, ClinGen allele CA5635033.
Genomic context (GRCh38, chr10:97,738,526, plus strand): 5'-TATGGTTACAGGATGCAGACATCAGAACGTGAGGGGAGTGGGCCGGAGCTGAGCCCCAGC[G>A]TGATGCCCGAGGCTCCCCTGGAGTCTCCACCTTTTCCTACCAAGTCCCCAGCGTTTGACC-3'
Protein context (NP_001372804.1, residues 7-27): EGSGPELSPS[Val17Met]MPEAPLESPP

ClinVar aggregate classification (germline): Uncertain significance. Review status: criteria provided, multiple submitters, no conflicts (2 of 4 stars). 2 submissions from 2 submitters: Uncertain significance (2). Last evaluated 2024-02-25.

Conditions:
Spastic paraplegia. Identifiers: MedGen C0037772, HP:0001258.

Allele frequency attached by ClinVar (database versions not stated): gnomAD exomes 0.00006; ExAC 0.00007; gnomAD 0.00011; ESP Exome Variant Server 0.00015.
gnomAD v4.1: 105 of 1,614,078 alleles (0.0065%); highest among the groups gnomAD compares: African/African-American, 0.027%; no homozygotes.

Submissions (2):

Labcorp Genetics (formerly Invitae), Labcorp
Classification: Uncertain significance for Spastic paraplegia. Last evaluated: 2024-02-25. Review status: criteria provided, single submitter. Criteria: Invitae Variant Classification Sherloc (09022015). Collection method: clinical testing. Allele origin: germline.
Comment: This sequence change replaces valine, which is neutral and non-polar, with methionine, which is neutral and non-polar, at codon 17 of the ZFYVE27 protein (p.Val17Met). This variant is present in population databases (rs148694071, gnomAD 0.03%). This variant has not been reported in the literature in individuals affected with ZFYVE27-related conditions. Algorithms developed to predict the effect of missense changes on protein structure and function output the following: SIFT: "Not Available"; PolyPhen-2: "Benign"; Align-GVGD: "Not Available". The methionine amino acid residue is found in multiple mammalian species, which suggests that this missense change does not adversely affect protein function. In summary, the available evidence is currently insufficient to determine the role of this variant in disease. Therefore, it has been classified as a Variant of Uncertain Significance.

Ambry Genetics
Classification: Uncertain significance. Last evaluated: 2024-01-23. Review status: criteria provided, single submitter. Criteria: Ambry Variant Classification Scheme 2023. Collection method: clinical testing. Allele origin: germline.